The following is an entry in ClinVar:

ClinVar aggregate classification (germline): Uncertain significance. Review status: criteria provided, multiple submitters, no conflicts (2 of 4 stars). 2 submissions from 2 submitters: Uncertain significance (2). Last evaluated 2025-04-28.

Conditions:
Inborn genetic diseases. Identifiers: MedGen C0950123, MeSH D030342.

Submissions (2):

Ambry Genetics
Classification: Uncertain significance for Inborn genetic diseases. Last evaluated: 2025-04-28. Review status: criteria provided, single submitter. Criteria: Ambry Variant Classification Scheme 2023. Collection method: clinical testing. Allele origin: germline.

Labcorp Genetics (formerly Invitae), Labcorp
Classification: Uncertain significance. Last evaluated: 2024-09-14. Review status: criteria provided, single submitter. Criteria: Invitae Variant Classification Sherloc (09022015). Collection method: clinical testing. Allele origin: germline.
Comment: This sequence change replaces isoleucine, which is neutral and non-polar, with threonine, which is neutral and polar, at codon 313 of the FOCAD protein (p.Ile313Thr). This variant is present in population databases (rs368968838, gnomAD 0.005%). This variant has not been reported in the literature in individuals affected with FOCAD-related conditions. Experimental studies and prediction algorithms are not available or were not evaluated, and the functional significance of this variant is currently unknown. In summary, the available evidence is currently insufficient to determine the role of this variant in disease. Therefore, it has been classified as a Variant of Uncertain Significance.

NM_001375567.1(FOCAD):c.938T>C (p.Ile313Thr)

Gene: FOCAD (focadhesin; plus strand). Cytogenetic location: 9p21.3.
Variant type: single nucleotide variant.
Coding change: c.938T>C on transcript NM_001375567.1 (MANE Select); coding-DNA position 938, T replaced by C.
Protein change: p.Ile313Thr; replaces isoleucine 313 with threonine.
Molecular consequence: missense variant.
Genome position (GRCh38, 1-based): chr9:20,778,712, T>C. VCF-style: chr9-20778712-T-C. GRCh37 (hg19) VCF-style: chr9-20778711-T-C.
Other names: c.938T>C (NM_017794.3); c.938T>C, p.Ile313Thr (NM_001375568.1, NM_017794.5); c.833T>C, p.Ile278Thr (NM_001375570.1); short protein forms I278T, I313T.
Identifiers: ClinVar variation 3631739 (VCV003631739.3).